The following is an entry in ClinVar:

NM_007215.4(POLG2):c.315G>A (p.Glu105=)

Genes: MILR1 (mast cell immunoglobulin like receptor 1; plus strand), POLG2 (DNA polymerase gamma 2, accessory subunit; minus strand). Cytogenetic location: 17q23.3.
Variant type: single nucleotide variant.
Coding change: c.315G>A on transcript NM_007215.4 (MANE Select); coding-DNA position 315, G replaced by A.
Protein change: p.Glu105=; no amino-acid change (glutamic acid 105 retained).
Molecular consequence: synonymous variant.
Genome position (GRCh38, 1-based): chr17:64,496,654, C>T on the plus strand (G>A on the coding strand, the complement: POLG2 is on the minus strand). VCF-style: chr17-64496654-C-T. GRCh37 (hg19) VCF-style: chr17-62492772-C-T.
Identifiers: ClinVar variation 378408 (VCV000378408.38), dbSNP rs142121495, ClinGen allele CA8713056.

ClinVar aggregate classification (germline): Conflicting classifications of pathogenicity. Review status: criteria provided, conflicting classifications (1 of 4 stars). 5 submissions from 5 submitters: Uncertain significance (1); Likely benign (4). Last evaluated 2026-02-01.

Conditions:
Hereditary spastic paraplegia. Also called: Familial spastic paraparesis. Identifiers: Orphanet 685, MedGen C0037773, MONDO:0019064. Disease mechanism: loss of function.

Allele frequency attached by ClinVar (database versions not stated): gnomAD exomes 0.00037 and 0.00067; ESP Exome Variant Server 0.00054; TOPMed 0.00033; ExAC 0.00035; gnomAD 0.00035 and 0.00036.
gnomAD v4.1: 1,018 of 1,613,932 alleles (0.063%); highest among the groups gnomAD compares: Non-Finnish European, 0.081%; 1 homozygote.

Submissions (5):

Labcorp Genetics (formerly Invitae), Labcorp
Classification: Likely benign. Last evaluated: 2026-02-01. Review status: criteria provided, single submitter. Criteria: Invitae Variant Classification Sherloc (09022015). Collection method: clinical testing. Allele origin: germline.

CeGaT Center for Human Genetics Tuebingen
Classification: Likely benign. Last evaluated: 2025-11-01. Review status: criteria provided, single submitter. Criteria: CeGaT Center For Human Genetics Tuebingen Variant Classification Criteria Version 2. Collection method: clinical testing. Allele origin: germline. Affected: yes. Observed: 2 variant alleles.
Comment: POLG2: BP4, BP7

Blueprint Genetics
Classification: Likely benign. Last evaluated: 2024-08-08. Review status: criteria provided, single submitter. Criteria: ACMG Guidelines, 2015. Collection method: clinical testing. Allele origin: germline.

Genome Diagnostics Laboratory, The Hospital for Sick Children
Classification: Uncertain significance for Hereditary spastic paraplegia. Last evaluated: 2020-02-01. Review status: criteria provided, single submitter. Criteria: ACMG Guidelines, 2015. Collection method: clinical testing. Allele origin: germline. Affected: yes.

GeneDx
Classification: Likely benign. Last evaluated: 2017-05-30. Review status: criteria provided, single submitter. Criteria: GeneDx Variant Classification (06012015). Collection method: clinical testing. Allele origin: germline. Affected: yes.
Comment: This variant is considered likely benign or benign based on one or more of the following criteria: it is a conservative change, it occurs at a poorly conserved position in the protein, it is predicted to be benign by multiple in silico algorithms, and/or has population frequency not consistent with disease.